The following is an entry in ClinVar:

ClinVar aggregate classification (germline): Uncertain significance (1 of 4 stars; one submission).

Conditions:
Cardiovascular phenotype. Identifiers: MedGen CN230736.

Allele frequency attached by ClinVar (database versions not stated): gnomAD exomes below 0.00001; ExAC 0.00002.

Submission:

Ambry Genetics
Classification: Uncertain significance for Cardiovascular phenotype. Last evaluated: 2019-02-15. Review status: criteria provided, single submitter. Criteria: Ambry Variant Classification Scheme 2023. Collection method: clinical testing. Allele origin: germline.
Comment: The p.C1207R variant (also known as c.3619T>C), located in coding exon 11 of the AKAP9 gene, results from a T to C substitution at nucleotide position 3619. The cysteine at codon 1207 is replaced by arginine, an amino acid with highly dissimilar properties. This amino acid position is well conserved in available vertebrate species. In addition, this alteration is predicted to be tolerated by in silico analysis. Since supporting evidence is limited at this time, the clinical significance of this alteration remains unclear.

NM_005751.5(AKAP9):c.3619T>C (p.Cys1207Arg)

Gene: AKAP9 (A-kinase anchoring protein 9; plus strand). Cytogenetic location: 7q21.2.
Variant type: single nucleotide variant.
Coding change: c.3619T>C on transcript NM_005751.5 (MANE Select); coding-DNA position 3619, T replaced by C.
Protein change: p.Cys1207Arg; replaces cysteine 1207 with arginine.
Molecular consequence: missense variant.
Genome position (GRCh38, 1-based): chr7:92,016,135, T>C. VCF-style: chr7-92016135-T-C. GRCh37 (hg19) VCF-style: chr7-91645449-T-C.
Other names: c.3619T>C, p.Cys1207Arg (NM_147185.3); short protein forms C1207R.
Identifiers: ClinVar variation 1733295 (VCV001733295.2), dbSNP rs756679946, ClinGen allele CA4336353.